The following is an entry in ClinVar:

NM_006950.3(SYN1):c.1176G>A (p.Met392Ile)

Gene: SYN1 (synapsin I; minus strand). Cytogenetic location: Xp11.3.
Variant type: single nucleotide variant.
Coding change: c.1176G>A on transcript NM_006950.3 (MANE Select); coding-DNA position 1176, G replaced by A.
Protein change: p.Met392Ile; replaces methionine 392 with isoleucine.
Molecular consequence: missense variant.
Genome position (GRCh38, 1-based): chrX:47,575,257, C>T on the plus strand (G>A on the coding strand, the complement: SYN1 is on the minus strand). VCF-style: chrX-47575257-C-T. GRCh37 (hg19) VCF-style: chrX-47434656-C-T.
Other names: c.1176G>A, p.Met392Ile (NM_133499.2); short protein forms M392I.
Identifiers: ClinVar variation 2709035 (VCV002709035.3), dbSNP rs2057774048, ClinGen allele CA412825912.

ClinVar aggregate classification (germline): Uncertain significance (1 of 4 stars; one submission).

Conditions:
Epilepsy, X-linked 1, with variable learning disabilities and behavior disorders. Also called: X-linked epilepsy-learning disabilities-behavior disorders syndrome. Identifiers: Orphanet 85294, MedGen C5774177, MONDO:0010339, OMIM 300491.

Allele frequency attached by ClinVar (database versions not stated): TOPMed below 0.00001.

Submission:

Labcorp Genetics (formerly Invitae), Labcorp
Classification: Uncertain significance for Epilepsy, X-linked 1, with variable learning disabilities and behavior disorders. Last evaluated: 2024-10-23. Review status: criteria provided, single submitter. Criteria: Invitae Variant Classification Sherloc (09022015). Collection method: clinical testing. Allele origin: germline.
Comment: This sequence change replaces methionine, which is neutral and non-polar, with isoleucine, which is neutral and non-polar, at codon 392 of the SYN1 protein (p.Met392Ile). This variant is not present in population databases (gnomAD no frequency). This variant has not been reported in the literature in individuals affected with SYN1-related conditions. An algorithm developed to predict the effect of missense changes on protein structure and function (PolyPhen-2) suggests that this variant is likely to be disruptive. In summary, the available evidence is currently insufficient to determine the role of this variant in disease. Therefore, it has been classified as a Variant of Uncertain Significance.